The following is an entry in ClinVar:

NM_024685.4(BBS10):c.434T>C (p.Met145Thr)

Gene: BBS10 (Bardet-Biedl syndrome 10; minus strand). Cytogenetic location: 12q21.2.
Variant type: single nucleotide variant.
Coding change: c.434T>C on transcript NM_024685.4 (MANE Select); coding-DNA position 434, T replaced by C.
Protein change: p.Met145Thr; replaces methionine 145 with threonine.
Molecular consequence: missense variant.
Genome position (GRCh38, 1-based): chr12:76,347,551, A>G on the plus strand (T>C on the coding strand, the complement: BBS10 is on the minus strand). VCF-style: chr12-76347551-A-G. GRCh37 (hg19) VCF-style: chr12-76741331-A-G.
Other names: short protein forms M145T.
Identifiers: ClinVar variation 939862 (VCV000939862.7), dbSNP rs144312522, ClinGen allele CA6694347.

ClinVar aggregate classification (germline): Uncertain significance. Review status: criteria provided, single submitter (1 of 4 stars). 2 submissions from 2 submitters: Uncertain significance (1). 1 of the submissions does not count toward it. Last evaluated 2021-09-01.

Conditions:
Bardet-Biedl syndrome (BBS). Identifiers: Orphanet 110, MedGen C0752166, MONDO:0015229.
Bardet-Biedl syndrome 10 (BBS10). Identifiers: Orphanet 110, MedGen C1859568, MONDO:0014438, OMIM 615987.

Allele frequency attached by ClinVar (database versions not stated): TOPMed below 0.00001; gnomAD 0.00001 and 0.00003; ExAC 0.00005; ESP Exome Variant Server 0.00008.

Submissions (2):

Labcorp Genetics (formerly Invitae), Labcorp
Classification: Uncertain significance for Bardet-Biedl syndrome. Last evaluated: 2021-09-01. Review status: criteria provided, single submitter. Criteria: Invitae Variant Classification Sherloc (09022015). Collection method: clinical testing. Allele origin: germline.
Comment: This sequence change replaces methionine with threonine at codon 145 of the BBS10 protein (p.Met145Thr). The methionine residue is moderately conserved and there is a moderate physicochemical difference between methionine and threonine. This variant is present in population databases (rs144312522, ExAC 0.03%). This variant has not been reported in the literature in individuals affected with BBS10-related conditions. Algorithms developed to predict the effect of missense changes on protein structure and function are either unavailable or do not agree on the potential impact of this missense change (SIFT: "Deleterious"; PolyPhen-2: "Benign"; Align-GVGD: "Class C0"). In summary, the available evidence is currently insufficient to determine the role of this variant in disease. Therefore, it has been classified as a Variant of Uncertain Significance.

Natera, Inc.
Classification: Uncertain significance for Bardet-Biedl syndrome type 10. Last evaluated: 2020-01-24. Review status: no assertion criteria provided. Collection method: clinical testing. Allele origin: germline. Not counted in ClinVar's aggregate classification.